The following is an entry in ClinVar:

NM_001395891.1(CLASP1):c.2243T>C (p.Met748Thr)

Gene: CLASP1 (cytoplasmic linker associated protein 1; minus strand). Cytogenetic location: 2q14.2.
Variant type: single nucleotide variant.
Coding change: c.2243T>C on transcript NM_001395891.1 (MANE Select); coding-DNA position 2243, T replaced by C.
Protein change: p.Met748Thr; replaces methionine 748 with threonine.
Molecular consequence: missense variant. On other transcripts: intron variant (5).
Genome position (GRCh38, 1-based): chr2:121,418,699, A>G on the plus strand (T>C on the coding strand, the complement: CLASP1 is on the minus strand). VCF-style: chr2-121418699-A-G. GRCh37 (hg19) VCF-style: chr2-122176275-A-G.
Other names: c.2243T>C, p.Met748Thr (NM_001378003.1, NM_015282.3); c.2212+6440T>C (NM_001142274.2); c.2236+6440T>C (NM_001378004.1, NM_001142273.2); c.2233+6440T>C (NM_001207051.2, NM_001378005.1); short protein forms M748T.
Identifiers: ClinVar variation 713573 (VCV000713573.7), dbSNP rs186502681, ClinGen allele CA1854004.

ClinVar aggregate classification (germline): Likely benign. Review status: criteria provided, multiple submitters, no conflicts (2 of 4 stars). 3 submissions from 3 submitters: Likely benign (2). 1 of the submissions does not count toward it. Last evaluated 2018-05-17.

Conditions:
CLASP1-related disorder. Also called: CLASP1-related condition.

Allele frequency attached by ClinVar (database versions not stated): ExAC 0.00206; 1000 Genomes Project 30x 0.00219; 1000 Genomes Project 0.00220; gnomAD exomes 0.00226; gnomAD 0.00239 and 0.00241; TOPMed 0.00276; ESP Exome Variant Server 0.00358.
gnomAD v4.1: 5,518 of 1,613,776 alleles (0.34%); highest among the groups gnomAD compares: Non-Finnish European, 0.42%; 8 homozygotes.

Submissions (3):

Labcorp Genetics (formerly Invitae), Labcorp
Classification: Likely benign. Last evaluated: 2018-05-17. Review status: criteria provided, single submitter. Criteria: Invitae Variant Classification Sherloc (09022015). Collection method: clinical testing. Allele origin: germline.

Breakthrough Genomics
Classification: Likely benign. Review status: criteria provided, single submitter. Criteria: ACMG Guidelines, 2015. Collection method: not provided. Allele origin: germline. Inheritance: Unknown mechanism. Affected: yes.

PreventionGenetics, part of Exact Sciences
Classification: Likely benign for CLASP1-related condition. Last evaluated: 2022-01-31. Review status: no assertion criteria provided. Collection method: clinical testing. Allele origin: germline. Not counted in ClinVar's aggregate classification.
Comment: This variant is classified as likely benign based on ACMG/AMP sequence variant interpretation guidelines (Richards et al. 2015 PMID: 25741868, with internal and published modifications).